The following is an entry in ClinVar:

ClinVar aggregate classification (germline): Benign. Review status: criteria provided, multiple submitters, no conflicts (2 of 4 stars). 3 submissions from 3 submitters: Benign (2). 1 of the submissions does not count toward it. Last evaluated 2019-12-31.

Conditions:
DNAH10-related disorder. Also called: DNAH10-related condition.

Allele frequency attached by ClinVar (database versions not stated): gnomAD exomes 0.00288 and 0.00695; ExAC 0.00827; gnomAD 0.02462 and 0.02615; ESP Exome Variant Server 0.02692; TOPMed 0.02818; 1000 Genomes Project 0.03514; 1000 Genomes Project 30x 0.03670.
gnomAD v4.1: 8,184 of 1,613,950 alleles (0.51%); highest among the groups gnomAD compares: African/African-American, 8.6%; 311 homozygotes.

Submissions (3):

Labcorp Genetics (formerly Invitae), Labcorp
Classification: Benign. Last evaluated: 2019-12-31. Review status: criteria provided, single submitter. Criteria: Invitae Variant Classification Sherloc (09022015). Collection method: clinical testing. Allele origin: germline.

Breakthrough Genomics
Classification: Benign. Review status: criteria provided, single submitter. Criteria: ACMG Guidelines, 2015. Collection method: not provided. Allele origin: germline. Inheritance: Autosomal recessive inheritance. Affected: yes.

PreventionGenetics, part of Exact Sciences
Classification: Benign for DNAH10-related condition. Last evaluated: 2024-05-15. Review status: no assertion criteria provided. Collection method: clinical testing. Allele origin: germline. Not counted in ClinVar's aggregate classification.
Comment: This variant is classified as benign based on ACMG/AMP sequence variant interpretation guidelines (Richards et al. 2015 PMID: 25741868, with internal and published modifications).

NM_001372106.1(DNAH10):c.8917G>A (p.Ala2973Thr)

Gene: DNAH10 (dynein axonemal heavy chain 10; plus strand). Cytogenetic location: 12q24.31.
Variant type: single nucleotide variant.
Coding change: c.8917G>A on transcript NM_001372106.1 (MANE Select); coding-DNA position 8917, G replaced by A.
Protein change: p.Ala2973Thr; replaces alanine 2973 with threonine.
Molecular consequence: missense variant.
Genome position (GRCh38, 1-based): chr12:123,887,235, G>A. VCF-style: chr12-123887235-G-A. GRCh37 (hg19) VCF-style: chr12-124371782-G-A.
Other names: c.8563G>A, p.Ala2855Thr (NM_207437.3); short protein forms A2855T, A2973T.
Identifiers: ClinVar variation 768595 (VCV000768595.6), dbSNP rs76586219, ClinGen allele CA6864902.